The following is an entry in ClinVar:

ClinVar aggregate classification (germline): Pathogenic (1 of 4 stars; one submission).

Submission:

Labcorp Genetics (formerly Invitae), Labcorp
Classification: Pathogenic. Last evaluated: 2019-09-27. Review status: criteria provided, single submitter. Criteria: Invitae Variant Classification Sherloc (09022015). Collection method: clinical testing. Allele origin: unknown.
Comment: For these reasons, this variant has been classified as Pathogenic. Loss-of-function variants in USH2A are known to be pathogenic (PMID: 10729113, 10909849, 20507924, 25649381). This variant disrupts the p.Thr4337 amino acid residue in USH2A. Other variant(s) that disrupt this residue have been determined to be pathogenic (PMID: 17085681, 29588463, 28944237, Invitae). This suggests that this residue is clinically significant, and that variants that disrupt this residue are likely to be disease-causing. This variant has not been reported in the literature in individuals with USH2A-related conditions. This variant results in the deletion of part of exon 63 (c.12497_13811+148del) of the USH2A gene. It is expected to disrupt RNA splicing and likely results in an absent or disrupted protein product.

Literature cited by the submitters: PubMed 10729113; PubMed 10909849; PubMed 20507924; PubMed 25649381; PubMed 17085681; PubMed 29588463; PubMed 28944237.

NC_000001.10:g.(?_215847294)_(215848756_?)del

Gene: USH2A (usherin; minus strand). Cytogenetic location: 1q41.
Variant type: Deletion.
Identifiers: ClinVar variation 3248089 (VCV003248089.1).